The following is an entry in ClinVar:

ClinVar aggregate classification (germline): Pathogenic (1 of 4 stars; one submission).

Submission:

Labcorp Genetics (formerly Invitae), Labcorp
Classification: Pathogenic. Last evaluated: 2023-06-09. Review status: criteria provided, single submitter. Criteria: Invitae Variant Classification Sherloc (09022015). Collection method: clinical testing. Allele origin: germline.
Comment: This sequence change creates a premature translational stop signal (p.Pro428Argfs*55) in the SLC39A4 gene. It is expected to result in an absent or disrupted protein product. Loss-of-function variants in SLC39A4 are known to be pathogenic (PMID: 12955721). This variant is not present in population databases (gnomAD no frequency). For these reasons, this variant has been classified as Pathogenic. This variant has not been reported in the literature in individuals affected with SLC39A4-related conditions.

Literature cited by the submitters: PubMed 12955721.

NM_130849.4(SLC39A4):c.1283del (p.Pro428fs)

Gene: SLC39A4 (solute carrier family 39 member 4; minus strand). Cytogenetic location: 8q24.3.
Variant type: Deletion.
Coding change: c.1283del on transcript NM_130849.4 (MANE Select); coding-DNA position 1283, one base deleted (C; older notation c.1283delC).
Protein change: p.Pro428fs; shifts the reading frame from proline 428.
Molecular consequence: frameshift variant.
Genome position (GRCh38, 1-based): chr8:144,413,962, G deleted on the plus strand (C on the coding strand, the reverse complement: SLC39A4 is on the minus strand); the first of 3 consecutive G bases (chr8:144,413,962-144,413,964); deleting any one gives the same sequence. VCF-style (leftmost placement, unchanged base first): chr8-144413961-CG-C. GRCh37 (hg19) VCF-style: chr8-145639345-CG-C.
Other names: c.1001del, p.Pro334fs (NM_001374839.1); c.1208del, p.Pro403fs (NM_017767.3); short protein forms P334fs, P428fs, P403fs.
Identifiers: ClinVar variation 2826061 (VCV002826061.3), dbSNP rs2537430403, ClinGen allele CA2689097270.
Genomic context (GRCh38, chr8:144,413,961, plus strand): 5'-GTGTCCACCAGGCCCCCAGCACACCCACCCGCCGGGTACCTTCCCAAGAAGCCTGACCTC[CG>C]GGTCCCTGGGCAGCAGGAGATTGAAGAGGTTCTCAAACAGGAAGAAGGCGTAGAGCCCGG-3'